The following is an entry in ClinVar:

NM_032383.5(HPS3):c.817dup (p.Thr273fs)

Gene: HPS3 (HPS3 biogenesis of lysosomal organelles complex 2 subunit 1; plus strand). Cytogenetic location: 3q24.
Variant type: Duplication.
Coding change: c.817dup on transcript NM_032383.5 (MANE Select); coding-DNA position 817, one base duplicated (A; older notation c.817dupA).
Protein change: p.Thr273fs; shifts the reading frame from threonine 273.
Molecular consequence: frameshift variant.
Genome position (GRCh38, 1-based): chr3:149,141,121, A duplicated. VCF-style (leftmost placement, unchanged base first): chr3-149141120-T-TA. GRCh37 (hg19) VCF-style: chr3-148858907-T-TA.
Other names: c.322dup, p.Thr108fs (NM_001308258.2); c.817dupA (NM_032383.4); short protein forms T108fs, T273fs.
Identifiers: ClinVar variation 2992279 (VCV002992279.4), dbSNP rs1435508069, ClinGen allele CA900482284.

ClinVar aggregate classification (germline): Pathogenic/Likely pathogenic. Review status: criteria provided, multiple submitters, no conflicts (2 of 4 stars). 2 submissions from 2 submitters: Pathogenic (1); Likely pathogenic (1). Last evaluated 2024-06-10.

Conditions:
Hermansky-Pudlak syndrome (HPS). Also called: ALBINISM WITH HEMORRHAGIC DIATHESIS AND PIGMENTED RETICULOENDOTHELIAL CELLS. Identifiers: Orphanet 79430, MedGen C0079504, MONDO:0019312.

Allele frequency attached by ClinVar (database versions not stated): TOPMed 0.00001.

Submissions (2):

Natera, Inc.
Classification: Likely pathogenic for Hermansky-Pudlak syndrome. Last evaluated: 2024-06-10. Review status: criteria provided, single submitter. Criteria: Natera Variant Classification Schema (03/2026). Collection method: clinical testing. Allele origin: germline.
Comment: The c.817dupA variant in HPS3 is a frameshift variant predicted to shift the reading frame beginning at codon 273 and leads to a stop codon 9 codons downstream. This variant is expected to result in nonsense mediated decay, truncation, or a dysfunctional protein product. This variant is rare in the general population with a frequency below the threshold expected for the associated phenotype(s). Given the available evidence, this variant is classified as Likely Pathogenic.

Labcorp Genetics (formerly Invitae), Labcorp
Classification: Pathogenic. Last evaluated: 2023-12-13. Review status: criteria provided, single submitter. Criteria: Invitae Variant Classification Sherloc (09022015). Collection method: clinical testing. Allele origin: germline.
Comment: This sequence change creates a premature translational stop signal (p.Thr273Asnfs*9) in the HPS3 gene. It is expected to result in an absent or disrupted protein product. Loss-of-function variants in HPS3 are known to be pathogenic (PMID: 11590544). This variant is not present in population databases (gnomAD no frequency). This variant has not been reported in the literature in individuals affected with HPS3-related conditions. For these reasons, this variant has been classified as Pathogenic.

Literature cited by the submitters: PubMed 11590544 (cited by Labcorp Genetics (formerly Invitae), Labcorp).